The following is an entry in ClinVar:

NM_001371333.1(DIABLO):c.611C>T (p.Ala204Val)

Genes: B3GNT4 (UDP-GlcNAc:betaGal beta-1,3-N-acetylglucosaminyltransferase 4; plus strand), DIABLO (diablo IAP-binding mitochondrial protein; minus strand). Cytogenetic location: 12q24.31.
Variant type: single nucleotide variant.
Coding change: c.611C>T on transcript NM_001371333.1 (MANE Select); coding-DNA position 611, C replaced by T.
Protein change: p.Ala204Val; replaces alanine 204 with valine.
Molecular consequence: missense variant. On other transcripts: 3 prime UTR variant (2).
Genome position (GRCh38, 1-based): chr12:122,208,490, G>A on the plus strand (C>T on the coding strand, the complement: DIABLO is on the minus strand). VCF-style: chr12-122208490-G-A. GRCh37 (hg19) VCF-style: chr12-122693037-G-A.
Other names: c.320C>T, p.Ala107Val (NM_001278302.1); c.392C>T, p.Ala131Val (NM_001278303.1); c.452C>T, p.Ala151Val (NM_001278304.2, NM_138930.3); c.479C>T, p.Ala160Val (NM_001278342.1); c.611C>T, p.Ala204Val (NM_019887.6); c.*1102G>A (NM_001330492.2, NM_030765.4); short protein forms A107V, A160V, A131V, A204V, A151V.
Identifiers: ClinVar variation 2958034 (VCV002958034.3), dbSNP rs1343006878, ClinGen allele CA387041166.
Genomic context (GRCh38, chr12:122,208,490, plus strand): 5'-CCTTCCTCCTGTGTTTTCTGACGGAGCTCTTCTATCTGTGCTTCTGCCAGCTTGGTTTCT[G>A]CTTTCCGGGAGAGCTGGTGCACCTCTTCCACCTGCAGTTTCACCAGCTGAATGTGATTCC-3'
Protein context (NP_001358262.1, residues 194-214): VEEVHQLSRK[Ala204Val]ETKLAEAQIE

ClinVar aggregate classification (germline): Uncertain significance (1 of 4 stars; one submission).

Allele frequency attached by ClinVar (database versions not stated): gnomAD exomes 0.00001.
gnomAD v4.1: 13 of 1,614,148 alleles (0.00081%); highest among the groups gnomAD compares: African/African-American, 0.0013%; no homozygotes.

Submission:

Labcorp Genetics (formerly Invitae), Labcorp
Classification: Uncertain significance. Last evaluated: 2023-12-25. Review status: criteria provided, single submitter. Criteria: Invitae Variant Classification Sherloc (09022015). Collection method: clinical testing. Allele origin: germline.
Comment: This sequence change replaces alanine, which is neutral and non-polar, with valine, which is neutral and non-polar, at codon 204 of the DIABLO protein (p.Ala204Val). This variant is present in population databases (no rsID available, gnomAD 0.007%). This variant has not been reported in the literature in individuals affected with DIABLO-related conditions. An algorithm developed to predict the effect of missense changes on protein structure and function (PolyPhen-2) suggests that this variant is likely to be disruptive. In summary, the available evidence is currently insufficient to determine the role of this variant in disease. Therefore, it has been classified as a Variant of Uncertain Significance.